The following is an entry in ClinVar:

NM_015192.4(PLCB1):c.2243C>T (p.Ala748Val)

Gene: PLCB1 (phospholipase C beta 1; plus strand). Cytogenetic location: 20p12.3.
Variant type: single nucleotide variant.
Coding change: c.2243C>T on transcript NM_015192.4 (MANE Select); coding-DNA position 2243, C replaced by T.
Protein change: p.Ala748Val; replaces alanine 748 with valine.
Molecular consequence: missense variant.
Genome position (GRCh38, 1-based): chr20:8,739,295, C>T. VCF-style: chr20-8739295-C-T. GRCh37 (hg19) VCF-style: chr20-8719942-C-T.
Other names: c.2243C>T, p.Ala748Val (NM_182734.3); short protein forms A748V.
Identifiers: ClinVar variation 852237 (VCV000852237.10), dbSNP rs1980745626, ClinGen allele CA408207684.
Genomic context (GRCh38, chr20:8,739,295, plus strand): 5'-AGGTGTGTCCTTAATGTCCTTTGTAGGTGGTTCTTCCTACTCTGGCCTGTTTGAGAATAG[C>T]AGTTTATGAAGAAGGAGGTAAATTCATTGGCCACCGTATCTTGCCAGTGCAAGCCATTCG-3'
Protein context (NP_056007.1, residues 738-758): VLPTLACLRI[Ala748Val]VYEEGGKFIG

ClinVar aggregate classification (germline): Uncertain significance (1 of 4 stars; one submission).

Conditions:
Developmental and epileptic encephalopathy, 12 (DEE12). Identifiers: MedGen C3150988, MONDO:0013389, OMIM 613722.

Submission:

Labcorp Genetics (formerly Invitae), Labcorp
Classification: Uncertain significance for Developmental and epileptic encephalopathy, 12. Last evaluated: 2019-01-26. Review status: criteria provided, single submitter. Criteria: Invitae Variant Classification Sherloc (09022015). Collection method: clinical testing. Allele origin: germline.
Comment: This variant has not been reported in the literature in individuals with PLCB1-related conditions. Algorithms developed to predict the effect of missense changes on protein structure and function (SIFT, PolyPhen-2, Align-GVGD) all suggest that this variant is likely to be tolerated, but these predictions have not been confirmed by published functional studies and their clinical significance is uncertain. In summary, the available evidence is currently insufficient to determine the role of this variant in disease. Therefore, it has been classified as a Variant of Uncertain Significance. This sequence change replaces alanine with valine at codon 748 of the PLCB1 protein (p.Ala748Val). The alanine residue is highly conserved and there is a small physicochemical difference between alanine and valine. This variant is not present in population databases (ExAC no frequency).